The following is an entry in ClinVar:

ClinVar aggregate classification (germline): Uncertain significance. Review status: criteria provided, multiple submitters, no conflicts (2 of 4 stars). 3 submissions from 3 submitters: Uncertain significance (3). Last evaluated 2024-10-25.

Conditions:
Inborn genetic diseases. Identifiers: MedGen C0950123, MeSH D030342.

Allele frequency attached by ClinVar (database versions not stated): TOPMed 0.00003; ExAC 0.00005; gnomAD 0.00005; gnomAD exomes 0.00009.
gnomAD v4.1: 133 of 1,614,040 alleles (0.0082%); highest among the groups gnomAD compares: Non-Finnish European, 0.011%; no homozygotes.

Submissions (3):

Ambry Genetics
Classification: Uncertain significance for Inborn genetic diseases. Last evaluated: 2024-10-25. Review status: criteria provided, single submitter. Criteria: Ambry Variant Classification Scheme 2023. Collection method: clinical testing. Allele origin: germline.

GeneDx
Classification: Uncertain significance. Last evaluated: 2024-04-22. Review status: criteria provided, single submitter. Criteria: GeneDx Variant Classification Process June 2021. Collection method: clinical testing. Allele origin: germline. Affected: yes.
Comment: Has been reported in an adult individual with seizures in a study of patients with epilepsy who underwent exome analysis; this individual also harbored variants in other genes (Mistrot et al., 2016) Villanos M, Mistrot JG, Ping YY, Ordonez J, Camarillo et al. (2016) Mutation Identification for Epilepsy in the US Hispanic Population Using Whole-Exome-Sequencing. J Cell Biol Cell Metab 3: 011; In silico analysis supports that this missense variant does not alter protein structure/function; This variant is associated with the following publications: (PMID: Mistrot[2016]article)

Labcorp Genetics (formerly Invitae), Labcorp
Classification: Uncertain significance. Last evaluated: 2022-04-09. Review status: criteria provided, single submitter. Criteria: Invitae Variant Classification Sherloc (09022015). Collection method: clinical testing. Allele origin: germline.
Comment: This sequence change replaces phenylalanine, which is neutral and non-polar, with tyrosine, which is neutral and polar, at codon 3616 of the LRP2 protein (p.Phe3616Tyr). This variant is present in population databases (rs762306251, gnomAD 0.01%). This variant has not been reported in the literature in individuals affected with LRP2-related conditions. Advanced modeling of protein sequence and biophysical properties (such as structural, functional, and spatial information, amino acid conservation, physicochemical variation, residue mobility, and thermodynamic stability) performed at Invitae indicates that this missense variant is not expected to disrupt LRP2 protein function. In summary, the available evidence is currently insufficient to determine the role of this variant in disease. Therefore, it has been classified as a Variant of Uncertain Significance.

NM_004525.3(LRP2):c.10847T>A (p.Phe3616Tyr)

Gene: LRP2 (LDL receptor related protein 2; minus strand). Cytogenetic location: 2q31.1.
Variant type: single nucleotide variant.
Coding change: c.10847T>A on transcript NM_004525.3 (MANE Select); coding-DNA position 10847, T replaced by A.
Protein change: p.Phe3616Tyr; replaces phenylalanine 3616 with tyrosine.
Molecular consequence: missense variant.
Genome position (GRCh38, 1-based): chr2:169,174,086, A>T on the plus strand (T>A on the coding strand, the complement: LRP2 is on the minus strand). VCF-style: chr2-169174086-A-T. GRCh37 (hg19) VCF-style: chr2-170030596-A-T.
Other names: c.10847T>A (NM_004525.2); short protein forms F3616Y.
Identifiers: ClinVar variation 2067006 (VCV002067006.3), dbSNP rs762306251, ClinGen allele CA1953233.